The following is an entry in ClinVar:

NM_016008.4(DYNC2LI1):c.126G>C (p.Gly42=)

Gene: DYNC2LI1 (dynein cytoplasmic 2 light intermediate chain 1; plus strand). Cytogenetic location: 2p21.
Variant type: single nucleotide variant.
Coding change: c.126G>C on transcript NM_016008.4 (MANE Select); coding-DNA position 126, G replaced by C.
Protein change: p.Gly42=; no amino-acid change (glycine 42 retained).
Molecular consequence: synonymous variant.
Genome position (GRCh38, 1-based): chr2:43,776,899, G>C. VCF-style: chr2-43776899-G-C. GRCh37 (hg19) VCF-style: chr2-44004038-G-C.
Other names: c.126G>C, p.Gly42= (NM_001193464.2, NM_001348912.2, NM_001348913.2 and 1 more transcripts).
Identifiers: ClinVar variation 1364648 (VCV001364648.6), dbSNP rs1558660477, ClinGen allele CA425750780.
Genomic context (GRCh38, chr2:43,776,899, plus strand): 5'-TGAAGGTGATGGAGCTGAAATTGCAGAAAAATTTGTTTTCTTCATTGGCAGTAAAAATGG[G>C]GTAATGCTTTCTTTTTTTCAATTATTGTGATGATTTAACAACCATTGGTAAAATATCTGT-3'
Protein context (NP_057092.2, residues 32-52): KFVFFIGSKN[Gly42=]GKTTIILRCL

ClinVar aggregate classification (germline): Uncertain significance (1 of 4 stars; one submission).

Submission:

Labcorp Genetics (formerly Invitae), Labcorp
Classification: Uncertain significance. Last evaluated: 2021-07-13. Review status: criteria provided, single submitter. Criteria: Invitae Variant Classification Sherloc (09022015). Collection method: clinical testing. Allele origin: germline.
Comment: This sequence change affects codon 42 of the DYNC2LI1 mRNA. It is a 'silent' change, meaning that it does not change the encoded amino acid sequence of the DYNC2LI1 protein. This variant also falls at the last nucleotide of exon 2, which is part of the consensus splice site for this exon. This variant is not present in population databases (ExAC no frequency). This variant has not been reported in the literature in individuals affected with DYNC2LI1-related conditions. Nucleotide substitutions within the consensus splice site are a relatively common cause of aberrant splicing (PMID: 17576681, 9536098). Algorithms developed to predict the effect of sequence changes on RNA splicing suggest that this variant may disrupt the consensus splice site. In summary, the available evidence is currently insufficient to determine the role of this variant in disease. Therefore, it has been classified as a Variant of Uncertain Significance.

Literature cited by the submitters: PubMed 17576681; PubMed 9536098.